The following is an entry in ClinVar:

NM_182931.3(KMT2E):c.3030C>A (p.Asn1010Lys)

Gene: KMT2E (lysine methyltransferase 2E (inactive); plus strand). Cytogenetic location: 7q22.3.
Variant type: single nucleotide variant.
Coding change: c.3030C>A on transcript NM_182931.3 (MANE Select); coding-DNA position 3030, C replaced by A.
Protein change: p.Asn1010Lys; replaces asparagine 1010 with lysine.
Molecular consequence: missense variant.
Genome position (GRCh38, 1-based): chr7:105,107,487, C>A. VCF-style: chr7-105107487-C-A. GRCh37 (hg19) VCF-style: chr7-104747934-C-A.
Other names: c.3030C>A, p.Asn1010Lys (NM_001410908.1, NM_018682.4); short protein forms N1010K.
Identifiers: ClinVar variation 3363320 (VCV003363320.1).

ClinVar aggregate classification (germline): Uncertain significance (1 of 4 stars; one submission).

Submission:

GeneDx
Classification: Uncertain significance. Last evaluated: 2023-10-25. Review status: criteria provided, single submitter. Criteria: GeneDx Variant Classification Process June 2021. Collection method: clinical testing. Allele origin: germline. Affected: yes.
Comment: Not observed at significant frequency in large population cohorts (gnomAD); In silico analysis supports that this missense variant does not alter protein structure/function; Has not been previously published as pathogenic or benign to our knowledge